The following is an entry in ClinVar:

NM_001103.4(ACTN2):c.1172A>G (p.Asn391Ser)

Gene: ACTN2 (actinin alpha 2; plus strand). Cytogenetic location: 1q43.
Variant type: single nucleotide variant.
Coding change: c.1172A>G on transcript NM_001103.4 (MANE Select); coding-DNA position 1172, A replaced by G.
Protein change: p.Asn391Ser; replaces asparagine 391 with serine.
Molecular consequence: missense variant.
Genome position (GRCh38, 1-based): chr1:236,742,960, A>G. VCF-style: chr1-236742960-A-G. GRCh37 (hg19) VCF-style: chr1-236906260-A-G.
Other names: c.1172A>G, p.Asn391Ser (NM_001278343.2); c.548A>G, p.Asn183Ser (NM_001278344.2); short protein forms N391S, N183S.
Identifiers: ClinVar variation 579798 (VCV000579798.19), dbSNP rs547711260, ClinGen allele CA1473070.

ClinVar aggregate classification (germline): Conflicting classifications of pathogenicity. Review status: criteria provided, conflicting classifications (1 of 4 stars). 7 submissions from 7 submitters: Uncertain significance (4); Benign (1); Likely benign (2). Last evaluated 2026-09-01.

Conditions:
ACTN2-related disorder. Also called: ACTN2-related disorders; ACTN2 related condition.
Myopathy, distal, 6, adult-onset, autosomal dominant. Identifiers: MedGen C5203349, MONDO:0032853, OMIM 618655.
Myopathy, congenital, with structured cores and z-line abnormalities. Also called: CONGENITAL MYOPATHY 8; MULTIPLE STRUCTURED CORE DISEASE. Identifiers: MedGen C5231445, MONDO:0032852, OMIM 618654.
Dilated cardiomyopathy 1AA (CMD1AA). Also called: Cardiomyopathy, dilated, 1AA, with or without LVNC; CARDIOMYOPATHY, DILATED, 1AA, WITH OR WITHOUT LEFT VENTRICULAR NONCOMPACTION; CARDIOMYOPATHY, FAMILIAL HYPERTROPHIC, 23, WITH OR WITHOUT LEFT VENTRICULAR NONCOMPACTION. Identifiers: Orphanet 154, MedGen C2677338, MONDO:0012808, OMIM 612158.
Cardiovascular phenotype. Identifiers: MedGen CN230736.
Primary familial hypertrophic cardiomyopathy (HCM). Identifiers: Orphanet 99739, MedGen C0949658, MeSH D024741, MONDO:0024573. Inheritance: Various modes of inheritance.

Allele frequency attached by ClinVar (database versions not stated): gnomAD exomes 0.00001 and 0.00006; gnomAD 0.00002 and 0.00004; TOPMed 0.00004; ExAC 0.00005; 1000 Genomes Project 30x 0.00047; 1000 Genomes Project 0.00060.
gnomAD v4.1: 24 of 1,614,178 alleles (0.0015%); highest among the groups gnomAD compares: East Asian, 0.033%; no homozygotes.

Submissions (7):

GeneDx
Classification: Uncertain significance. Last evaluated: 2026-09-01. Review status: criteria provided, single submitter. Criteria: GeneDx Variant Classification Process June 2021. Collection method: clinical testing. Allele origin: germline.
Comment: In silico analysis suggests that this missense variant does not alter protein structure/function; Has not been previously published as pathogenic or benign to our knowledge

PreventionGenetics, part of Exact Sciences
Classification: Likely benign for ACTN2-related condition. Last evaluated: 2026-02-09. Review status: criteria provided, single submitter. Criteria: ACMG Guidelines, 2015. Collection method: clinical testing. Allele origin: germline.
Comment: This variant is classified as likely benign based on ACMG/AMP sequence variant interpretation guidelines (Richards et al. 2015 PMID: 25741868, with internal and published modifications).

Labcorp Genetics (formerly Invitae), Labcorp
Classification: Benign for Primary familial hypertrophic cardiomyopathy; Dilated cardiomyopathy 1AA. Last evaluated: 2025-12-08. Review status: criteria provided, single submitter. Criteria: Invitae Variant Classification Sherloc (09022015). Collection method: clinical testing. Allele origin: germline.

Molecular Diagnostic Laboratory for Inherited Cardiovascular Disease, Montreal Heart Institute
Classification: Uncertain significance for Cardiovascular phenotype. Last evaluated: 2025-04-09. Review status: criteria provided, single submitter. Criteria: ACMG Guidelines, 2015. Collection method: clinical testing. Allele origin: germline. Affected: yes.

Ambry Genetics
Classification: Uncertain significance for Cardiovascular phenotype. Last evaluated: 2023-02-23. Review status: criteria provided, single submitter. Criteria: Ambry Variant Classification Scheme 2023. Collection method: clinical testing. Allele origin: germline.
Comment: The p.N391S variant (also known as c.1172A>G), located in coding exon 11 of the ACTN2 gene, results from an A to G substitution at nucleotide position 1172. The asparagine at codon 391 is replaced by serine, an amino acid with highly similar properties. This amino acid position is not well conserved in available vertebrate species. In addition, this alteration is predicted to be tolerated by in silico analysis. Since supporting evidence is limited at this time, the clinical significance of this alteration remains unclear.

Fulgent Genetics
Classification: Uncertain significance for Dilated cardiomyopathy 1AA; Myopathy, congenital, with structured cores and z-line abnormalities; Myopathy, distal, 6, adult-onset, autosomal dominant. Last evaluated: 2021-09-13. Review status: criteria provided, single submitter. Criteria: ACMG Guidelines, 2015. Collection method: clinical testing. Allele origin: unknown.

Blueprint Genetics
Classification: Likely benign. Last evaluated: 2019-04-12. Review status: criteria provided, single submitter. Criteria: ACMG Guidelines, 2015. Collection method: clinical testing. Allele origin: germline.